The following is an entry in ClinVar:

ClinVar aggregate classification (germline): Conflicting classifications of pathogenicity. Review status: criteria provided, conflicting classifications (1 of 4 stars). 10 submissions from 10 submitters: Uncertain significance (9); Likely benign (1). Last evaluated 2026-01-27.

Conditions:
Hereditary cancer. Identifiers: MedGen C1333600.
Fanconi anemia (FA). Also called: Fanconi's anemia. Identifiers: Orphanet 84, MedGen C0015625, MeSH D005199, MONDO:0019391.
Spermatogenic failure 28. Identifiers: MedGen C4748117, MONDO:0054732, OMIM 618086.
Premature ovarian failure 15. Identifiers: MedGen C4748170, MONDO:0054862, OMIM 618096.
Hereditary cancer-predisposing syndrome. Also called: Neoplastic Syndromes, Hereditary; Hereditary Cancer Syndrome; Tumor predisposition; Hereditary neoplastic syndrome. Identifiers: Orphanet 140162, MedGen C0027672, MeSH D009386, MONDO:0015356.

Allele frequency attached by ClinVar (database versions not stated): ESP Exome Variant Server 0.00008; gnomAD 0.00011 and 0.00012; gnomAD exomes 0.00011 and 0.00012; TOPMed 0.00012; ExAC 0.00015.
gnomAD v4.1: 187 of 1,613,862 alleles (0.012%); highest among the groups gnomAD compares: Admixed American, 0.02%; no homozygotes.

Submissions (10):

Labcorp Genetics (formerly Invitae), Labcorp
Classification: Uncertain significance for Fanconi anemia. Last evaluated: 2026-01-27. Review status: criteria provided, single submitter. Criteria: Invitae Variant Classification Sherloc (09022015). Collection method: clinical testing. Allele origin: germline.
Comment: This sequence change replaces leucine, which is neutral and non-polar, with phenylalanine, which is neutral and non-polar, at codon 1944 of the FANCM protein (p.Leu1944Phe). This variant is present in population databases (rs201017015, gnomAD 0.05%). This variant has not been reported in the literature in individuals affected with FANCM-related conditions. ClinVar contains an entry for this variant (Variation ID: 653408). An algorithm developed to predict the effect of missense changes on protein structure and function (PolyPhen-2) suggests that this variant is likely to be disruptive. In summary, the available evidence is currently insufficient to determine the role of this variant in disease. Therefore, it has been classified as a Variant of Uncertain Significance.

Quest Diagnostics Nichols Institute San Juan Capistrano
Classification: Uncertain significance. Last evaluated: 2025-10-18. Review status: criteria provided, single submitter. Criteria: Quest Diagnostics criteria. Collection method: clinical testing. Allele origin: unknown.
Comment: The FANCM c.5832G>T (p.Leu1944Phe) variant has been reported in the published literature in individuals with breast cancer (PMID: 33471991 (2021), see also LOVD). This variant has also been identified in reportedly unaffected individuals (PMID: 28881617 (2017), 33471991 (2021), see also LOVD). The frequency of this variant in the general population (Genome Aggregation Database) is uninformative in the assessment of its pathogenicity. Analysis of this variant using bioinformatics tools for the prediction of the effect of amino acid changes on protein structure and function yielded conflicting predictions that this variant is benign or damaging. Based on the available information, we are unable to determine the clinical significance of this variant.

GeneDx
Classification: Uncertain significance. Last evaluated: 2025-08-20. Review status: criteria provided, single submitter. Criteria: GeneDx Variant Classification Process June 2021. Collection method: clinical testing. Allele origin: germline. Affected: yes.
Comment: In silico analysis supports that this missense variant has a deleterious effect on protein structure/function; Observed in individuals with ovarian or breast cancer, but also in unaffected controls (PMID: 26689913, 28881617, 33471991); Not observed at significant frequency in large population cohorts (gnomAD); This variant is associated with the following publications: (PMID: 28881617, 26689913, 33471991)

Dasa
Classification: Uncertain significance. Last evaluated: 2025-06-07. Review status: criteria provided, single submitter. Criteria: DASA Assertion Criteria. Collection method: clinical testing. Allele origin: germline.
Comment: NM_020937.4(FANCM):c.5832G>T (p.Leu1944Phe) is a missense variant that results in the substitution of leucine with phenylalanine. Published studies describe this variant in association with related phenotype (PMID: 31991861). Also, this variant is rare in population databases. Computational prediction algorithms are consistent with a benign effect. The currently available literature and clinical evidence are not sufficient to establish a definitive association between this variant and the reported condition. Therefore, this variant is classified as a variant of uncertain significance.

Blueprint Genetics
Classification: Uncertain significance. Last evaluated: 2024-09-23. Review status: criteria provided, single submitter. Criteria: ACMG Guidelines, 2015. Collection method: clinical testing. Allele origin: germline.

CeGaT Center for Human Genetics Tuebingen
Classification: Uncertain significance. Last evaluated: 2024-03-01. Review status: criteria provided, single submitter. Criteria: CeGaT Center For Human Genetics Tuebingen Variant Classification Criteria Version 2. Collection method: clinical testing. Allele origin: germline. Affected: yes. Observed: 1 variant allele.

Fulgent Genetics
Classification: Uncertain significance for Spermatogenic failure 28; Premature ovarian failure 15. Last evaluated: 2024-02-15. Review status: criteria provided, single submitter. Criteria: ACMG Guidelines, 2015. Collection method: clinical testing. Allele origin: germline.

Mendelics
Classification: Likely benign for Hereditary cancer. Last evaluated: 2024-01-23. Review status: criteria provided, single submitter. Criteria: ACMG Guidelines, 2015. Collection method: clinical testing. Allele origin: unknown.

Sema4
Classification: Uncertain significance for Hereditary cancer-predisposing syndrome. Last evaluated: 2021-09-30. Review status: criteria provided, single submitter. Criteria: Sema4 Curation Guidelines. Collection method: curation. Allele origin: germline.
Comment: The FANCM c.5832G>T (p.L1944F) variant has been reported in heterozygosity in a large breast cancer case control study, in 19/60466 breast cancer cases and 11/53461 controls (PMID: 33471991). It was also identified only in controls in an ovarian cancer case-control study (PMID: 28881617). This variant was observed in 6/10366 chromosomes in the Ashkenazi Jewish (ASJ) population according to the Genome Aggregation Database (PMID: 32461654), and has been reported in ClinVar (Variation ID: 653408). Functional studies have not been performed, and in silico predictions of the variant's effect on protein function are inconclusive. Based on the current evidence available, this variant is interpreted as a variant of uncertain significance.

Genetic Services Laboratory, University of Chicago
Classification: Uncertain significance. Last evaluated: 2020-01-13. Review status: criteria provided, single submitter. Criteria: ACMG Guidelines, 2015. Collection method: clinical testing. Allele origin: germline. Affected: no.
Comment: DNA sequence analysis of the FANCM gene demonstrated a sequence change, c.5832G>T, in exon 22 that results in an amino acid change, p.Leu1944Phe. This sequence change does not appear to have been previously described in patients with FANCM-related disorders and has been described in the gnomAD database with a frequency of 0.06% in Ashkenazi Jewish populations (dbSNP rs201017015). The p.Leu1944Phe change affects a moderately conserved amino acid residue located in a domain of the FANCM protein that is known to be functional. In-silico pathogenicity prediction tools (SIFT, PolyPhen2, Align GVGD, REVEL) provide contradictory results for the p.Leu1944Phe substitution. Due to the lack of functional studies, the clinical significance of the p.Leu1944Phe change remains unknown at this time.

Literature cited by the submitters: PubMed 33471991 (cited by Quest Diagnostics Nichols Institute San Juan Capistrano and Sema4); PubMed 28881617 (cited by Quest Diagnostics Nichols Institute San Juan Capistrano and Sema4); PubMed 31991861 (cited by Dasa).

NM_020937.4(FANCM):c.5832G>T (p.Leu1944Phe)

Gene: FANCM (FA complementation group M; plus strand). Cytogenetic location: 14q21.2.
Variant type: single nucleotide variant.
Coding change: c.5832G>T on transcript NM_020937.4 (MANE Select); coding-DNA position 5832, G replaced by T.
Protein change: p.Leu1944Phe; replaces leucine 1944 with phenylalanine.
Molecular consequence: missense variant.
Genome position (GRCh38, 1-based): chr14:45,198,759, G>T. VCF-style: chr14-45198759-G-T. GRCh37 (hg19) VCF-style: chr14-45667962-G-T.
Other names: c.5754G>T, p.Leu1918Phe (NM_001308133.2); c.5832G>T (LRG_502t1, NM_020937.3); short protein forms L1944F, L1918F.
Identifiers: ClinVar variation 653408 (VCV000653408.48), dbSNP rs201017015, ClinGen allele CA7170077.
Genomic context (GRCh38, chr14:45,198,759, plus strand): 5'-CTTAATTGGCGCTGGAATCCGAATTCTTTTCAGTTCCTGCCAAGAAGAAACCGCAGATTT[G>T]CTAAAGGAACTGTCTTTAGTGGAACAAAGAAAGAATGTTGGTATTCATGTTCCAACAGTG-3'
Protein context (NP_065988.1, residues 1934-1954): FSSCQEETAD[Leu1944Phe]LKELSLVEQR